The following is an entry in ClinVar:

ClinVar aggregate classification (germline): Uncertain significance. Review status: criteria provided, multiple submitters, no conflicts (2 of 4 stars). 2 submissions from 2 submitters: Uncertain significance (2). Last evaluated 2026-04-13.

Conditions:
Familial meningioma. Also called: Meningioma, familial, susceptibility to. Identifiers: Orphanet 263662, MedGen C3551915, MONDO:0011789, OMIM 607174.
Hereditary cancer-predisposing syndrome. Also called: Hereditary neoplastic syndrome; Tumor predisposition; Hereditary Cancer Syndrome; Neoplastic Syndromes, Hereditary. Identifiers: Orphanet 140162, MedGen C0027672, MeSH D009386, MONDO:0015356.

Submissions (2):

Ambry Genetics
Classification: Uncertain significance for Hereditary cancer-predisposing syndrome. Last evaluated: 2026-04-13. Review status: criteria provided, single submitter. Criteria: Ambry Variant Classification Scheme 2023. Collection method: clinical testing. Allele origin: germline.
Comment: The p.S157T variant (also known as c.470G>C), located in coding exon 6 of the SMARCE1 gene, results from a G to C substitution at nucleotide position 470. The serine at codon 157 is replaced by threonine, an amino acid with similar properties. This amino acid position is conserved. In addition, the in silico prediction for this alteration is inconclusive. Based on the available evidence, the clinical significance of this variant remains unclear.

Labcorp Genetics (formerly Invitae), Labcorp
Classification: Uncertain significance for Familial meningioma. Last evaluated: 2024-06-11. Review status: criteria provided, single submitter. Criteria: Invitae Variant Classification Sherloc (09022015). Collection method: clinical testing. Allele origin: germline.
Comment: This sequence change replaces serine, which is neutral and polar, with threonine, which is neutral and polar, at codon 157 of the SMARCE1 protein (p.Ser157Thr). This variant is not present in population databases (gnomAD no frequency). This variant has not been reported in the literature in individuals affected with SMARCE1-related conditions. Advanced modeling of protein sequence and biophysical properties (such as structural, functional, and spatial information, amino acid conservation, physicochemical variation, residue mobility, and thermodynamic stability) performed at Invitae indicates that this missense variant is not expected to disrupt SMARCE1 protein function with a negative predictive value of 80%. In summary, the available evidence is currently insufficient to determine the role of this variant in disease. Therefore, it has been classified as a Variant of Uncertain Significance.

NM_003079.5(SMARCE1):c.470G>C (p.Ser157Thr)

Gene: SMARCE1 (SWI/SNF related BAF chromatin remodeling complex subunit E1; minus strand). Cytogenetic location: 17q21.2.
Variant type: single nucleotide variant.
Coding change: c.470G>C on transcript NM_003079.5 (MANE Select); coding-DNA position 470, G replaced by C.
Protein change: p.Ser157Thr; replaces serine 157 with threonine.
Molecular consequence: missense variant.
Genome position (GRCh38, 1-based): chr17:40,636,002, C>G on the plus strand (G>C on the coding strand, the complement: SMARCE1 is on the minus strand). VCF-style: chr17-40636002-C-G. GRCh37 (hg19) VCF-style: chr17-38792254-C-G.
Other names: short protein forms S157T.
Identifiers: ClinVar variation 3656217 (VCV003656217.3).